The following is an entry in ClinVar:

ClinVar aggregate classification (germline): Conflicting classifications of pathogenicity. Review status: criteria provided, conflicting classifications (1 of 4 stars). 4 submissions from 4 submitters: Uncertain significance (2); Likely benign (2). Last evaluated 2026-08-14.

Conditions:
Inborn genetic diseases. Identifiers: MedGen C0950123, MeSH D030342.
KCNV2-related disorder. Also called: KCNV2-related condition.

Allele frequency attached by ClinVar (database versions not stated): gnomAD exomes 0.00002 and 0.00005; ExAC 0.00010; gnomAD 0.00024 and 0.00027; ESP Exome Variant Server 0.00031; TOPMed 0.00032.
gnomAD v4.1: 68 of 1,612,510 alleles (0.0042%); highest among the groups gnomAD compares: African/African-American, 0.083%; no homozygotes.

Submissions (4):

PreventionGenetics, part of Exact Sciences
Classification: Uncertain significance for KCNV2-related condition. Last evaluated: 2026-08-14. Review status: criteria provided, single submitter. Criteria: ACMG Guidelines, 2015. Collection method: clinical testing. Allele origin: germline.
Comment: The KCNV2 c.833C>T variant is predicted to result in the amino acid substitution p.Ala278Val. To our knowledge, this variant has not been reported in the literature. This variant is reported in 0.071% of alleles in individuals of African descent in gnomAD, which may be too frequent to be a primary cause of disease. Although we suspect that this variant may be benign, at this time, the clinical significance of this variant is uncertain due to the absence of conclusive functional and genetic evidence.

Labcorp Genetics (formerly Invitae), Labcorp
Classification: Likely benign. Last evaluated: 2025-11-25. Review status: criteria provided, single submitter. Criteria: Invitae Variant Classification Sherloc (09022015). Collection method: clinical testing. Allele origin: germline.

Ambry Genetics
Classification: Likely benign for Inborn genetic diseases. Last evaluated: 2024-06-10. Review status: criteria provided, single submitter. Criteria: Ambry Variant Classification Scheme 2023. Collection method: clinical testing. Allele origin: germline.

Blueprint Genetics
Classification: Uncertain significance. Last evaluated: 2023-12-08. Review status: criteria provided, single submitter. Criteria: ACMG Guidelines, 2015. Collection method: clinical testing. Allele origin: germline.

NM_133497.4(KCNV2):c.833C>T (p.Ala278Val)

Gene: KCNV2 (potassium voltage-gated channel modifier subfamily V member 2; plus strand). Cytogenetic location: 9p24.2.
Variant type: single nucleotide variant.
Coding change: c.833C>T on transcript NM_133497.4 (MANE Select); coding-DNA position 833, C replaced by T.
Protein change: p.Ala278Val; replaces alanine 278 with valine.
Molecular consequence: missense variant.
Genome position (GRCh38, 1-based): chr9:2,718,572, C>T. VCF-style: chr9-2718572-C-T. GRCh37 (hg19) VCF-style: chr9-2718572-C-T.
Other names: c.833C>T (NM_133497.3); short protein forms A278V.
Identifiers: ClinVar variation 1641000 (VCV001641000.11), dbSNP rs140144634, ClinGen allele CA4965643.